The following is an entry in ClinVar:

NM_005378.6(MYCN):c.1186G>T (p.Asp396Tyr)

Gene: MYCN (MYCN proto-oncogene, bHLH transcription factor; plus strand). Cytogenetic location: 2p24.3.
Variant type: single nucleotide variant.
Coding change: c.1186G>T on transcript NM_005378.6 (MANE Select); coding-DNA position 1186, G replaced by T.
Protein change: p.Asp396Tyr; replaces aspartic acid 396 with tyrosine.
Molecular consequence: missense variant. On other transcripts: 3 prime UTR variant (1).
Genome position (GRCh38, 1-based): chr2:15,945,888, G>T. VCF-style: chr2-15945888-G-T. GRCh37 (hg19) VCF-style: chr2-16086010-G-T.
Other names: c.1186G>T, p.Asp396Tyr (NM_001293228.2); c.553G>T, p.Asp185Tyr (NM_001293231.2); c.*1121G>T (NM_001293233.2); short protein forms D185Y, D396Y.
Identifiers: ClinVar variation 1474546 (VCV001474546.6), dbSNP rs2103331583, ClinGen allele CA345932462.
Genomic context (GRCh38, chr2:15,945,888, plus strand): 5'-GACTCGGAGGACAGTGAGCGTCGCAGAAACCACAACATCCTGGAGCGCCAGCGCCGCAAC[G>T]ACCTTCGGTCCAGCTTTCTCACGCTCAGGGACCACGTGCCGGAGTTGGTAAAGAATGAGA-3'
Protein context (NP_005369.2, residues 386-406): HNILERQRRN[Asp396Tyr]LRSSFLTLRD

ClinVar aggregate classification (germline): Uncertain significance (1 of 4 stars; one submission).

Submission:

Labcorp Genetics (formerly Invitae), Labcorp
Classification: Uncertain significance. Last evaluated: 2021-09-03. Review status: criteria provided, single submitter. Criteria: Invitae Variant Classification Sherloc (09022015). Collection method: clinical testing. Allele origin: germline.
Comment: In summary, the available evidence is currently insufficient to determine the role of this variant in disease. Therefore, it has been classified as a Variant of Uncertain Significance. This sequence change replaces aspartic acid with tyrosine at codon 396 of the MYCN protein (p.Asp396Tyr). The aspartic acid residue is moderately conserved and there is a large physicochemical difference between aspartic acid and tyrosine. Algorithms developed to predict the effect of missense changes on protein structure and function are either unavailable or do not agree on the potential impact of this missense change (SIFT: "Tolerated"; PolyPhen-2: "Probably Damaging"; Align-GVGD: "Class C0"). This variant has not been reported in the literature in individuals affected with MYCN-related conditions. This variant is not present in population databases (ExAC no frequency).